The following is an entry in ClinVar:

NM_198252.3(GSN):c.659T>G (p.Leu220Arg)

Gene: GSN (gelsolin; plus strand). Cytogenetic location: 9q33.2.
Variant type: single nucleotide variant.
Coding change: c.659T>G on transcript NM_198252.3 (MANE Select); coding-DNA position 659, T replaced by G.
Protein change: p.Leu220Arg; replaces leucine 220 with arginine.
Molecular consequence: missense variant.
Genome position (GRCh38, 1-based): chr9:121,312,484, T>G. VCF-style: chr9-121312484-T-G. GRCh37 (hg19) VCF-style: chr9-124074762-T-G.
Other names: c.659T>G, p.Leu220Arg (NM_001353058.2, NM_001353059.2, NM_001353060.2 and 10 more transcripts); c.692T>G, p.Leu231Arg (NM_001353063.2, NM_001353064.2, NM_001353065.2 and 13 more transcripts); c.812T>G, p.Leu271Arg (NM_000177.5); c.767T>G, p.Leu256Arg (NM_001127663.2); c.710T>G, p.Leu237Arg (NM_001258029.2); c.683T>G, p.Leu228Arg (NM_001258030.2); c.731T>G, p.Leu244Arg (NM_001353076.2); c.5T>G, p.Leu2Arg (NM_001353078.2); short protein forms L244R, L256R, L2R, L220R, L237R, L271R, L228R, L231R.
Identifiers: ClinVar variation 2102832 (VCV002102832.4), dbSNP rs374011467, ClinGen allele CA5220963.

ClinVar aggregate classification (germline): Uncertain significance (1 of 4 stars; one submission).

Allele frequency attached by ClinVar (database versions not stated): gnomAD exomes below 0.00001; ExAC 0.00001; gnomAD 0.00001; TOPMed 0.00002; ESP Exome Variant Server 0.00008.
gnomAD v4.1: 3 of 1,608,348 alleles (0.00019%); highest among the groups gnomAD compares: African/African-American, 0.004%; no homozygotes.

Submission:

Labcorp Genetics (formerly Invitae), Labcorp
Classification: Uncertain significance. Last evaluated: 2021-12-21. Review status: criteria provided, single submitter. Criteria: Invitae Variant Classification Sherloc (09022015). Collection method: clinical testing. Allele origin: germline.
Comment: In summary, the available evidence is currently insufficient to determine the role of this variant in disease. Therefore, it has been classified as a Variant of Uncertain Significance. Algorithms developed to predict the effect of missense changes on protein structure and function are either unavailable or do not agree on the potential impact of this missense change (SIFT: "Deleterious"; PolyPhen-2: "Possibly Damaging"; Align-GVGD: "Class C15"). This variant has not been reported in the literature in individuals affected with GSN-related conditions. This variant is present in population databases (rs374011467, gnomAD 0.01%). This sequence change replaces leucine, which is neutral and non-polar, with arginine, which is basic and polar, at codon 271 of the GSN protein (p.Leu271Arg).